The following is an entry in ClinVar:

NM_001164508.2(NEB):c.3270dup (p.Asp1091fs)

Gene: NEB (nebulin; minus strand). Cytogenetic location: 2q23.3.
Variant type: Duplication.
Coding change: c.3270dup on transcript NM_001164508.2 (MANE Select); coding-DNA position 3270, one base duplicated (A; older notation c.3270dupA).
Protein change: p.Asp1091fs; shifts the reading frame from aspartic acid 1091.
Molecular consequence: frameshift variant.
Genome position (GRCh38, 1-based): chr2:151,678,173, T duplicated on the plus strand (A on the coding strand, the reverse complement: NEB is on the minus strand); the first of 6 consecutive T bases (chr2:151,678,173-151,678,178); duplicating any one gives the same sequence. VCF-style (leftmost placement, unchanged base first): chr2-151678172-C-CT. GRCh37 (hg19) VCF-style: chr2-152534686-C-CT.
Other names: NM_001164508.2(NEB):c.3270dup; p.Asp1091fs; c.3270dup, p.Asp1091fs (NM_001164507.2, NM_001271208.2, NM_004543.5); short protein forms D1091fs.
Identifiers: ClinVar variation 2123814 (VCV002123814.5), dbSNP rs2099386610, ClinGen allele CA2580064151.

ClinVar aggregate classification (germline): Pathogenic/Likely pathogenic. Review status: criteria provided, multiple submitters, no conflicts (2 of 4 stars). 2 submissions from 2 submitters: Pathogenic (1); Likely pathogenic (1). Last evaluated 2025-03-20.

Conditions:
Nemaline myopathy 2 (NEM2). Also called: Nemaline myopathy 2, autosomal recessive. Identifiers: MedGen C1850569, MONDO:0009725, OMIM 256030.
Nemaline myopathy. Also called: Myopathies, Nemaline. Identifiers: Orphanet 607, MedGen C0206157, MONDO:0018958.

Submissions (2):

Broad Center for Mendelian Genomics, Broad Institute of MIT and Harvard
Classification: Likely pathogenic for Nemaline myopathy. Last evaluated: 2025-03-20. Review status: criteria provided, single submitter. Criteria: ACMG Guidelines, 2015. Collection method: curation. Allele origin: germline. Inheritance: Autosomal recessive inheritance.
Comment: The p.Asp1091ArgfsTer3 variant in NEB has not been previously reported in the literature in individuals with nemaline myopathy, but has been identified in 0.0003% (3/1174398) of European (non-Finnish) chromosomes by the Genome Aggregation Database (gnomAD). Although this variant has been seen in the general population in a heterozygous state, its frequency is low enough to be consistent with a recessive carrier frequency. It is of note that this variant occurs in a homopolymer repeat, which could indicate that it exists as an artifact from sequencing. However, disease-causing variants have been reported in homopolymer regions, so this is not enough to rule out a pathogenic role. This variant has also been reported in ClinVar (Variation ID: 2123814) and has been interpreted as pathogenic by Invitae. This variant is predicted to cause a frameshift, which alters the protein‚Äôs amino acid sequence beginning at position 1091 and leads to a premature termination codon 3 amino acids downstream. This alteration is then predicted to lead to a truncated or absent protein. Loss of function of the NEB gene is an established disease mechanism in autosomal recessive nemaline myopathy. In summary, although additional studies are required to fully establish its clinical significance, this variant is likely pathogenic for autosomal recessive nemaline myopathy. ACMG/AMP Criteria applied: PVS1, PM2_supporting (Richards 2015).

Labcorp Genetics (formerly Invitae), Labcorp
Classification: Pathogenic for Nemaline myopathy 2. Last evaluated: 2023-09-05. Review status: criteria provided, single submitter. Criteria: Invitae Variant Classification Sherloc (09022015). Collection method: clinical testing. Allele origin: germline.
Comment: This variant is not present in population databases (gnomAD no frequency). This sequence change creates a premature translational stop signal (p.Asp1091Argfs*3) in the NEB gene. It is expected to result in an absent or disrupted protein product. Loss-of-function variants in NEB are known to be pathogenic (PMID: 25205138). This variant has not been reported in the literature in individuals affected with NEB-related conditions. For these reasons, this variant has been classified as Pathogenic. ClinVar contains an entry for this variant (Variation ID: 2123814).

Literature cited by the submitters: PubMed 25205138 (cited by Labcorp Genetics (formerly Invitae), Labcorp).